The following is an entry in ClinVar:

ClinVar aggregate classification (germline): Likely benign (0 of 4 stars; one submission).

Conditions:
MIDN-related disorder. Also called: MIDN-related condition.

Allele frequency attached by ClinVar (database versions not stated): gnomAD exomes 0.00008; ExAC 0.00039; gnomAD 0.00070; TOPMed 0.00077; ESP Exome Variant Server 0.00091; 1000 Genomes Project 30x 0.00125; 1000 Genomes Project 0.00180.
gnomAD v4.1: 220 of 1,567,954 alleles (0.014%); highest among the groups gnomAD compares: African/African-American, 0.22%; no homozygotes.

Submission:

PreventionGenetics, part of Exact Sciences
Classification: Likely benign for MIDN-related condition. Last evaluated: 2022-02-18. Review status: no assertion criteria provided. Collection method: clinical testing. Allele origin: germline.
Comment: This variant is classified as likely benign based on ACMG/AMP sequence variant interpretation guidelines (Richards et al. 2015 PMID: 25741868, with internal and published modifications).

NM_001388306.1(MIDN):c.652G>A (p.Ala218Thr)

Gene: MIDN (midnolin; plus strand). Cytogenetic location: 19p13.3.
Variant type: single nucleotide variant.
Coding change: c.652G>A on transcript NM_001388306.1 (MANE Select); coding-DNA position 652, G replaced by A.
Protein change: p.Ala218Thr; replaces alanine 218 with threonine.
Molecular consequence: missense variant.
Genome position (GRCh38, 1-based): chr19:1,254,305, G>A. VCF-style: chr19-1254305-G-A. GRCh37 (hg19) VCF-style: chr19-1254304-G-A.
Other names: c.523G>A, p.Ala175Thr (NM_001388307.1, NM_001388474.1, NM_177401.5); short protein forms A175T, A218T.
Identifiers: ClinVar variation 3045946 (VCV003045946.2), dbSNP rs201144803, ClinGen allele CA9040657.